The following is an entry in ClinVar:

ClinVar aggregate classification (germline): Uncertain significance (1 of 4 stars; one submission).

gnomAD v4.1: 4 of 1,572,086 alleles (0.00025%); highest among the groups gnomAD compares: South Asian, 0.0012%; no homozygotes.

Submission:

Labcorp Genetics (formerly Invitae), Labcorp
Classification: Uncertain significance. Last evaluated: 2023-06-27. Review status: criteria provided, single submitter. Criteria: Invitae Variant Classification Sherloc (09022015). Collection method: clinical testing. Allele origin: germline.
Comment: An algorithm developed to predict the effect of missense changes on protein structure and function (PolyPhen-2) suggests that this variant is likely to be disruptive. In summary, the available evidence is currently insufficient to determine the role of this variant in disease. Therefore, it has been classified as a Variant of Uncertain Significance. This variant has not been reported in the literature in individuals affected with LAMC3-related conditions. This variant is not present in population databases (gnomAD no frequency). This sequence change replaces serine, which is neutral and polar, with leucine, which is neutral and non-polar, at codon 117 of the LAMC3 protein (p.Ser117Leu).

NM_006059.4(LAMC3):c.350C>T (p.Ser117Leu)

Gene: LAMC3 (laminin subunit gamma 3; plus strand). Cytogenetic location: 9q34.12.
Variant type: single nucleotide variant.
Coding change: c.350C>T on transcript NM_006059.4 (MANE Select); coding-DNA position 350, C replaced by T.
Protein change: p.Ser117Leu; replaces serine 117 with leucine.
Molecular consequence: missense variant.
Genome position (GRCh38, 1-based): chr9:131,009,564, C>T. VCF-style: chr9-131009564-C-T. GRCh37 (hg19) VCF-style: chr9-133884951-C-T.
Other names: short protein forms S117L.
Identifiers: ClinVar variation 2807333 (VCV002807333.3), dbSNP rs1330527362, ClinGen allele CA375250925.